The following is an entry in ClinVar:

NM_144631.6(ZNF513):c.287G>A (p.Ser96Asn)

Gene: ZNF513 (zinc finger protein 513; minus strand). Cytogenetic location: 2p23.3.
Variant type: single nucleotide variant.
Coding change: c.287G>A on transcript NM_144631.6 (MANE Select); coding-DNA position 287, G replaced by A.
Protein change: p.Ser96Asn; replaces serine 96 with asparagine.
Molecular consequence: missense variant.
Genome position (GRCh38, 1-based): chr2:27,378,979, C>T on the plus strand (G>A on the coding strand, the complement: ZNF513 is on the minus strand). VCF-style: chr2-27378979-C-T. GRCh37 (hg19) VCF-style: chr2-27601846-C-T.
Other names: c.101G>A, p.Ser34Asn (NM_001201459.2); short protein forms S96N, S34N.
Identifiers: ClinVar variation 3723524 (VCV003723524.2).

ClinVar aggregate classification (germline): Uncertain significance (1 of 4 stars; one submission).

Submission:

Labcorp Genetics (formerly Invitae), Labcorp
Classification: Uncertain significance. Last evaluated: 2024-10-27. Review status: criteria provided, single submitter. Criteria: Invitae Variant Classification Sherloc (09022015). Collection method: clinical testing. Allele origin: germline.
Comment: This sequence change replaces serine, which is neutral and polar, with asparagine, which is neutral and polar, at codon 96 of the ZNF513 protein (p.Ser96Asn). This variant is not present in population databases (gnomAD no frequency). This variant has not been reported in the literature in individuals affected with ZNF513-related conditions. An algorithm developed to predict the effect of missense changes on protein structure and function (PolyPhen-2) suggests that this variant is likely to be tolerated. In summary, the available evidence is currently insufficient to determine the role of this variant in disease. Therefore, it has been classified as a Variant of Uncertain Significance.